The following is an entry in ClinVar:

NM_022047.4(DEF6):c.1299G>C (p.Glu433Asp)

Gene: DEF6 (DEF6 guanine nucleotide exchange factor; plus strand). Cytogenetic location: 6p21.31.
Variant type: single nucleotide variant.
Coding change: c.1299G>C on transcript NM_022047.4 (MANE Select); coding-DNA position 1299, G replaced by C.
Protein change: p.Glu433Asp; replaces glutamic acid 433 with aspartic acid.
Molecular consequence: missense variant.
Genome position (GRCh38, 1-based): chr6:35,319,607, G>C. VCF-style: chr6-35319607-G-C. GRCh37 (hg19) VCF-style: chr6-35287384-G-C.
Other names: short protein forms E433D.
Identifiers: ClinVar variation 1359942 (VCV001359942.8), dbSNP rs2150389228, ClinGen allele CA363767882.

ClinVar aggregate classification (germline): Uncertain significance (1 of 4 stars; one submission).

Submission:

Labcorp Genetics (formerly Invitae), Labcorp
Classification: Uncertain significance. Last evaluated: 2022-10-13. Review status: criteria provided, single submitter. Criteria: Invitae Variant Classification Sherloc (09022015). Collection method: clinical testing. Allele origin: germline.
Comment: This sequence change replaces glutamic acid, which is acidic and polar, with aspartic acid, which is acidic and polar, at codon 433 of the DEF6 protein (p.Glu433Asp). In summary, the available evidence is currently insufficient to determine the role of this variant in disease. Therefore, it has been classified as a Variant of Uncertain Significance. Algorithms developed to predict the effect of missense changes on protein structure and function output the following: SIFT: "Tolerated"; PolyPhen-2: "Benign"; Align-GVGD: "Class C0". The aspartic acid amino acid residue is found in multiple mammalian species, which suggests that this missense change does not adversely affect protein function. ClinVar contains an entry for this variant (Variation ID: 1359942). This variant has not been reported in the literature in individuals affected with DEF6-related conditions. This variant is not present in population databases (gnomAD no frequency).